The following is an entry in ClinVar:

NM_014727.3(KMT2B):c.418G>A (p.Ala140Thr)

Gene: KMT2B (lysine methyltransferase 2B; plus strand). Cytogenetic location: 19q13.12.
Variant type: single nucleotide variant.
Coding change: c.418G>A on transcript NM_014727.3 (MANE Select); coding-DNA position 418, G replaced by A.
Protein change: p.Ala140Thr; replaces alanine 140 with threonine.
Molecular consequence: missense variant.
Genome position (GRCh38, 1-based): chr19:35,719,523, G>A. VCF-style: chr19-35719523-G-A. GRCh37 (hg19) VCF-style: chr19-36210425-G-A.
Other names: short protein forms A140T.
Identifiers: ClinVar variation 4804207 (VCV004804207.1).

ClinVar aggregate classification (germline): Uncertain significance (1 of 4 stars; one submission).

Submission:

Labcorp Genetics (formerly Invitae), Labcorp
Classification: Uncertain significance. Last evaluated: 2026-02-02. Review status: criteria provided, single submitter. Criteria: Invitae Variant Classification Sherloc (09022015). Collection method: clinical testing. Allele origin: germline.
Comment: This sequence change replaces alanine, which is neutral and non-polar, with threonine, which is neutral and polar, at codon 140 of the KMT2B protein (p.Ala140Thr). This variant is not present in population databases (gnomAD no frequency). This variant has not been reported in the literature in individuals affected with KMT2B-related conditions. Invitae Evidence Modeling of protein sequence and biophysical properties (such as structural, functional, and spatial information, amino acid conservation, physicochemical variation, residue mobility, and thermodynamic stability) indicates that this missense variant is not expected to disrupt KMT2B protein function with a negative predictive value of 95%. In summary, the available evidence is currently insufficient to determine the role of this variant in disease. Therefore, it has been classified as a Variant of Uncertain Significance.